The following is an entry in ClinVar:

ClinVar aggregate classification (germline): Uncertain significance. Review status: criteria provided, multiple submitters, no conflicts (2 of 4 stars). 4 submissions from 4 submitters: Uncertain significance (4). Last evaluated 2026-07-05.

Conditions:
Inborn genetic diseases. Identifiers: MedGen C0950123, MeSH D030342.
LRSAM1-related disorder. Also called: LRSAM1-related condition.
Charcot-Marie-Tooth disease axonal type 2P. Also called: Charcot-Marie-Tooth Neuropathy Type 2G; CHARCOT-MARIE-TOOTH NEUROPATHY, TYPE 2P; CHARCOT-MARIE-TOOTH DISEASE, AXONAL, TYPE 2G; CMT 2G. Identifiers: Orphanet 300319, Orphanet 99941, MedGen C3280797, MONDO:0013753, OMIM 614436.

Allele frequency attached by ClinVar (database versions not stated): gnomAD 0.00001; gnomAD exomes 0.00001 and 0.00002; ExAC 0.00002; TOPMed 0.00002.
gnomAD v4.1: 26 of 1,613,818 alleles (0.0016%); highest among the groups gnomAD compares: Middle Eastern, 0.017%; no homozygotes.

Submissions (4):

PreventionGenetics, part of Exact Sciences
Classification: Uncertain significance for LRSAM1-related condition. Last evaluated: 2026-07-05. Review status: criteria provided, single submitter. Criteria: ACMG Guidelines, 2015. Collection method: clinical testing. Allele origin: germline.
Comment: The LRSAM1 c.893C>T variant is predicted to result in the amino acid substitution p.Thr298Met. To our knowledge, this variant has not been reported in the literature. This variant is reported in 0.0033% of alleles in individuals of South Asian descent in gnomAD. At this time, the clinical significance of this variant is uncertain due to the absence of conclusive functional and genetic evidence.

Ambry Genetics
Classification: Uncertain significance for Inborn genetic diseases. Last evaluated: 2025-11-12. Review status: criteria provided, single submitter. Criteria: Ambry Variant Classification Scheme 2023. Collection method: clinical testing. Allele origin: germline.

GeneDx
Classification: Uncertain significance. Last evaluated: 2025-07-22. Review status: criteria provided, single submitter. Criteria: GeneDx Variant Classification Process June 2021. Collection method: clinical testing. Allele origin: germline. Affected: yes.
Comment: Not observed at significant frequency in large population cohorts (gnomAD); In silico analysis suggests that this missense variant does not alter protein structure/function; Has not been previously published as pathogenic or benign to our knowledge

Labcorp Genetics (formerly Invitae), Labcorp
Classification: Uncertain significance for Charcot-Marie-Tooth disease axonal type 2P. Last evaluated: 2024-02-24. Review status: criteria provided, single submitter. Criteria: Invitae Variant Classification Sherloc (09022015). Collection method: clinical testing. Allele origin: germline.
Comment: This sequence change replaces threonine, which is neutral and polar, with methionine, which is neutral and non-polar, at codon 298 of the LRSAM1 protein (p.Thr298Met). This variant is present in population databases (rs747368361, gnomAD 0.003%). This variant has not been reported in the literature in individuals affected with LRSAM1-related conditions. ClinVar contains an entry for this variant (Variation ID: 654348). Advanced modeling of protein sequence and biophysical properties (such as structural, functional, and spatial information, amino acid conservation, physicochemical variation, residue mobility, and thermodynamic stability) performed at Invitae indicates that this missense variant is not expected to disrupt LRSAM1 protein function with a negative predictive value of 80%. In summary, the available evidence is currently insufficient to determine the role of this variant in disease. Therefore, it has been classified as a Variant of Uncertain Significance.

NM_001005373.4(LRSAM1):c.893C>T (p.Thr298Met)

Gene: LRSAM1 (leucine rich repeat and sterile alpha motif containing 1; plus strand). Cytogenetic location: 9q33.3.
Variant type: single nucleotide variant.
Coding change: c.893C>T on transcript NM_001005373.4 (MANE Select); coding-DNA position 893, C replaced by T.
Protein change: p.Thr298Met; replaces threonine 298 with methionine.
Molecular consequence: missense variant. On other transcripts: non-coding transcript variant (2).
Genome position (GRCh38, 1-based): chr9:127,479,495, C>T. VCF-style: chr9-127479495-C-T. GRCh37 (hg19) VCF-style: chr9-130241774-C-T.
Other names: c.893C>T, p.Thr298Met (NM_001005374.4, NM_001190723.3, NM_001384142.1 and 2 more transcripts); c.104C>T, p.Thr35Met (NM_001384144.1); c.893C>T (NM_138361.4); short protein forms T298M, T35M.
Identifiers: ClinVar variation 654348 (VCV000654348.11), dbSNP rs747368361, ClinGen allele CA5246729.
Genomic context (GRCh38, chr9:127,479,495, plus strand): 5'-AGCGGGAGCACACCCAGCTCCTTCAGCAGAGCAGCAGCCAGAAGGATGAGATCCTTCAGA[C>T]GGTCAAGGAGGTTTGTGAGCCGCCTGCTAGGGTCCAGCCTGGCTGCATCCCCCAGCCAGT-3'
Protein context (NP_001005373.1, residues 288-308): SSSQKDEILQ[Thr298Met]VKEEQSRLEQ